The following is an entry in ClinVar:

NM_000426.4(LAMA2):c.2089A>G (p.Ile697Val)

Gene: LAMA2 (laminin subunit alpha 2; plus strand). Cytogenetic location: 6q22.33.
Variant type: single nucleotide variant.
Coding change: c.2089A>G on transcript NM_000426.4 (MANE Select); coding-DNA position 2089, A replaced by G.
Protein change: p.Ile697Val; replaces isoleucine 697 with valine.
Molecular consequence: missense variant.
Genome position (GRCh38, 1-based): chr6:129,252,288, A>G. VCF-style: chr6-129252288-A-G. GRCh37 (hg19) VCF-style: chr6-129573433-A-G.
Other names: c.2089A>G, p.Ile697Val (NM_001079823.2); short protein forms I697V.
Identifiers: ClinVar variation 555042 (VCV000555042.5), dbSNP rs778059153, ClinGen allele CA146919499.
Genomic context (GRCh38, chr6:129,252,288, plus strand): 5'-GTGCTTGCGAATTTGAAGAGAGTCCTCCTACAAATCACATACAGCTTTGGGATGGATGCC[A>G]TCTTCAGGTAAAATCAAGAACTGCAGCTCCAACGTTCACACATTTACTTTGGGGCCAAGG-3'
Protein context (NP_000417.3, residues 687-707): QITYSFGMDA[Ile697Val]FRLSSVNLES

ClinVar aggregate classification (germline): Uncertain significance. Review status: criteria provided, multiple submitters, no conflicts (2 of 4 stars). 3 submissions from 3 submitters: Uncertain significance (2). 1 of the submissions does not count toward it. Last evaluated 2023-07-03.

Conditions:
Inborn genetic diseases. Identifiers: MedGen C0950123, MeSH D030342.
Merosin deficient congenital muscular dystrophy (MDC1A). Also called: Congenital Muscular Dystrophy Type 1A (MDC1A); Congenital merosin-deficient muscular dystrophy 1A. Identifiers: Orphanet 258, MedGen C1263858, MONDO:0011925, OMIM 607855.

Allele frequency attached by ClinVar (database versions not stated): gnomAD exomes below 0.00001; gnomAD 0.00001; TOPMed 0.00002.
gnomAD v4.1: 8 of 1,612,204 alleles (0.0005%); highest among the groups gnomAD compares: Admixed American, 0.0017%; no homozygotes.

Submissions (3):

Women's Health and Genetics/Laboratory Corporation of America, LabCorp
Classification: Uncertain significance. Last evaluated: 2023-07-03. Review status: criteria provided, single submitter. Criteria: LabCorp Variant Classification Summary - May 2015. Collection method: clinical testing. Allele origin: germline.
Comment: Variant summary: LAMA2 c.2089A>G (p.Ile697Val) results in a conservative amino acid change located in the Laminin IV domain (IPR000034) of the encoded protein sequence. Four of five in-silico tools predict a benign effect of the variant on protein function. The variant was absent in 250700 control chromosomes (gnomAD). The available data on variant occurrences in the general population are insufficient to allow any conclusion about variant significance. c.2089A>G has been reported in the literature in an individual who was homozygous for this variant and likely benign variant p.Gly1584Ser, affected with laminin alpha-2 deficiency (MDC1A) (example: Beytia_2014). Muscle biopsy from this patient showed complete absence of laminin alpha-2 and dystrophic myopathy by haematoxyline eosin staining. The following publication has been ascertained in the context of this evaluation (PMID: 24225367). Two submitters have cited clinical-significance assessments for this variant to ClinVar after 2014. All submitters classified the variant as uncertain significance. Based on the evidence outlined above, the variant was classified as VUS-possibly pathogenic.

Ambry Genetics
Classification: Uncertain significance for Inborn genetic diseases. Last evaluated: 2022-02-26. Review status: criteria provided, single submitter. Criteria: Ambry Variant Classification Scheme 2023. Collection method: clinical testing. Allele origin: germline.

Counsyl
Classification: Uncertain significance for Merosin deficient congenital muscular dystrophy. Last evaluated: 2017-11-17. Review status: no assertion criteria provided. Collection method: clinical testing. Allele origin: unknown. Not counted in ClinVar's aggregate classification.

Literature cited by the submitters: PubMed 24225367 (cited by 3 submitters); PubMed 30055037 (cited by Ambry Genetics); PubMed 33219631 (cited by Ambry Genetics).